The following is an entry in ClinVar:

ClinVar aggregate classification (germline): Uncertain significance. Review status: criteria provided, multiple submitters, no conflicts (2 of 4 stars). 3 submissions from 3 submitters: Uncertain significance (3). Last evaluated 2023-12-09.

Conditions:
Inborn genetic diseases. Identifiers: MedGen C0950123, MeSH D030342.

gnomAD v4.1: 5 of 1,610,250 alleles (0.00031%); highest among the groups gnomAD compares: Non-Finnish European, 0.00042%; no homozygotes.

Submissions (3):

GeneDx
Classification: Uncertain significance. Last evaluated: 2023-12-09. Review status: criteria provided, single submitter. Criteria: GeneDx Variant Classification Process June 2021. Collection method: clinical testing. Allele origin: germline. Affected: yes.
Comment: Not observed at significant frequency in large population cohorts (gnomAD); In silico analysis supports that this missense variant does not alter protein structure/function; Has not been previously published as pathogenic or benign to our knowledge

Athena Diagnostics
Classification: Uncertain significance. Last evaluated: 2023-08-29. Review status: criteria provided, single submitter. Criteria: Athena Diagnostics Criteria. Collection method: clinical testing. Allele origin: unknown.
Comment: Available data are insufficient to determine the clinical significance of the variant at this time. This variant has not been reported in large, multi-ethnic general populations. Computational tools predict that this variant is not damaging.

Ambry Genetics
Classification: Uncertain significance for Inborn genetic diseases. Last evaluated: 2022-12-06. Review status: criteria provided, single submitter. Criteria: Ambry Variant Classification Scheme 2023. Collection method: clinical testing. Allele origin: germline.

NM_198994.3(TGM6):c.1576C>G (p.Arg526Gly)

Gene: TGM6 (transglutaminase 6; plus strand). Cytogenetic location: 20p13.
Variant type: single nucleotide variant.
Coding change: c.1576C>G on transcript NM_198994.3 (MANE Select); coding-DNA position 1576, C replaced by G.
Protein change: p.Arg526Gly; replaces arginine 526 with glycine.
Molecular consequence: missense variant.
Genome position (GRCh38, 1-based): chr20:2,417,471, C>G. VCF-style: chr20-2417471-C-G. GRCh37 (hg19) VCF-style: chr20-2398117-C-G.
Other names: c.1576C>G, p.Arg526Gly (NM_001254734.2); short protein forms R526G.
Identifiers: ClinVar variation 2333131 (VCV002333131.4), dbSNP rs1275709205, ClinGen allele CA408015383.